The following is an entry in ClinVar:

NM_015057.5(MYCBP2):c.-27GCG[5]

Genes: MYCBP2 (MYC binding protein 2; minus strand), LOC130009921 (ATAC-STARR-seq lymphoblastoid silent region 5419; plus strand). Cytogenetic location: 13q22.3.
Variant type: Microsatellite.
Coding change: c.-27GCG[5] on transcript NM_015057.5 (MANE Select); five copies in a row of the 3-base unit GCG starting at c.-27; the reference has eight copies in a row; three copies, 9 bases deleted.
Molecular consequence: 5 prime UTR variant.
Genome position (GRCh38, 1-based): chr13:77,326,779-77,326,787, CGCCGCCGC deleted on the plus strand (GCGGCGGCG on the coding strand, the reverse complement: MYCBP2 is on the minus strand); deleting any 9 consecutive bases within chr13:77,326,779-77,326,803 gives the same sequence; the position shown is the placement nearest the transcript's 3' end. VCF-style (leftmost placement, unchanged base first): chr13-77326778-TCGCCGCCGC-T. GRCh37 (hg19) VCF-style: chr13-77900913-TCGCCGCCGC-T.
Identifiers: ClinVar variation 3051439 (VCV003051439.2), dbSNP rs754197897, ClinGen allele CA7010787.

ClinVar aggregate classification (germline): Likely benign (0 of 4 stars; one submission).

Conditions:
MYCBP2-related disorder. Also called: MYCBP2-related condition.

Submission:

PreventionGenetics, part of Exact Sciences
Classification: Likely benign for MYCBP2-related condition. Last evaluated: 2019-02-18. Review status: no assertion criteria provided. Collection method: clinical testing. Allele origin: germline.
Comment: This variant is classified as likely benign based on ACMG/AMP sequence variant interpretation guidelines (Richards et al. 2015 PMID: 25741868, with internal and published modifications).